The following is an entry in ClinVar:

ClinVar aggregate classification (germline): Uncertain significance (1 of 4 stars; one submission).

Conditions:
Shashi-Pena syndrome (SHAPNS). Identifiers: Orphanet 689408, MedGen C4310672, MONDO:0014963, OMIM 617190.

Submission:

Baylor Genetics
Classification: Uncertain significance for Shashi-Pena syndrome. Last evaluated: 2019-03-27. Review status: criteria provided, single submitter. Criteria: ACMG Guidelines, 2015. Collection method: clinical testing. Allele origin: maternal. Affected: yes.
Comment: This variant was determined to be of uncertain significance according to ACMG Guidelines, 2015 [PMID:25741868].

NM_018263.6(ASXL2):c.2609C>T (p.Ala870Val)

Gene: ASXL2 (ASXL transcriptional regulator 2; minus strand). Cytogenetic location: 2p23.3.
Variant type: single nucleotide variant.
Coding change: c.2609C>T on transcript NM_018263.6 (MANE Select); coding-DNA position 2609, C replaced by T.
Protein change: p.Ala870Val; replaces alanine 870 with valine.
Molecular consequence: missense variant.
Genome position (GRCh38, 1-based): chr2:25,743,728, G>A on the plus strand (C>T on the coding strand, the complement: ASXL2 is on the minus strand). VCF-style: chr2-25743728-G-A. GRCh37 (hg19) VCF-style: chr2-25966597-G-A.
Other names: c.2435C>T, p.Ala812Val (NM_001369346.1); c.1829C>T, p.Ala610Val (NM_001369347.1); short protein forms A870V, A812V, A610V.
Identifiers: ClinVar variation 1030642 (VCV001030642.1), dbSNP rs886945237, ClinGen allele CA346080665.